The following is an entry in ClinVar:

ClinVar aggregate classification (germline): Uncertain significance (1 of 4 stars; one submission).

Submission:

Labcorp Genetics (formerly Invitae), Labcorp
Classification: Uncertain significance. Last evaluated: 2025-06-12. Review status: criteria provided, single submitter. Criteria: Invitae Variant Classification Sherloc (09022015). Collection method: clinical testing. Allele origin: germline.
Comment: This sequence change replaces valine, which is neutral and non-polar, with methionine, which is neutral and non-polar, at codon 238 of the KANK4 protein (p.Val238Met). Information on the frequency of this variant in the gnomAD database is not available, as this variant may be reported differently in the database. This variant has not been reported in the literature in individuals affected with KANK4-related conditions. ClinVar contains an entry for this variant (Variation ID: 2177285). Experimental studies and prediction algorithms are not available or were not evaluated, and the functional significance of this variant is currently unknown. In summary, the available evidence is currently insufficient to determine the role of this variant in disease. Therefore, it has been classified as a Variant of Uncertain Significance.

NM_181712.5(KANK4):c.711_712inv (p.Val238Met)

Gene: KANK4 (KN motif and ankyrin repeat domains 4; minus strand). Cytogenetic location: 1p31.3.
Variant type: Inversion.
Coding change: c.711_712inv on transcript NM_181712.5 (MANE Select).
Protein change: p.Val238Met; replaces valine 238 with methionine.
Molecular consequence: missense variant. On other transcripts: intron variant (1).
Genome position: GRCh38 VCF-style: chr1-62274392-CA-TG. GRCh37 (hg19) VCF-style: chr1-62740064-CA-TG.
Other names: c.17-2804_17-2803inv (NM_001320269.2); short protein forms V238M.
Identifiers: ClinVar variation 2177285 (VCV002177285.4), ClinGen allele CA2580063096.